The following is an entry in ClinVar:

NM_012062.5(DNM1L):c.13A>T (p.Ile5Phe)

Gene: DNM1L (dynamin 1 like; plus strand). Cytogenetic location: 12p11.21.
Variant type: single nucleotide variant.
Coding change: c.13A>T on transcript NM_012062.5 (MANE Select); coding-DNA position 13, A replaced by T.
Protein change: p.Ile5Phe; replaces isoleucine 5 with phenylalanine.
Molecular consequence: missense variant. On other transcripts: 5 prime UTR variant (1).
Genome position (GRCh38, 1-based): chr12:32,679,376, A>T. VCF-style: chr12-32679376-A-T. GRCh37 (hg19) VCF-style: chr12-32832310-A-T.
Other names: c.13A>T, p.Ile5Phe (NM_001278463.2, NM_001278464.2, NM_001278465.2 and 3 more transcripts); c.-193A>T (NM_001278466.2); short protein forms I5F.
Identifiers: ClinVar variation 4685402 (VCV004685402.1).

ClinVar aggregate classification (germline): Uncertain significance (1 of 4 stars; one submission).

Submission:

GeneDx
Classification: Uncertain significance. Last evaluated: 2025-07-10. Review status: criteria provided, single submitter. Criteria: GeneDx Variant Classification Process June 2021. Collection method: clinical testing. Allele origin: germline. Affected: yes.
Comment: Not observed at significant frequency in large population cohorts (gnomAD); In silico analysis supports that this missense variant has a deleterious effect on protein structure/function; Has not been previously published as pathogenic or benign to our knowledge.